The following is an entry in ClinVar:

ClinVar aggregate classification (germline): Likely benign (1 of 4 stars; one submission).

Allele frequency attached by ClinVar (database versions not stated): 1000 Genomes Project 0.00220; 1000 Genomes Project 30x 0.00297; TOPMed 0.00433; gnomAD 0.00522; ESP Exome Variant Server 0.00565; ExAC 0.00625; gnomAD exomes 0.00728.
gnomAD v4.1: 11,216 of 1,604,720 alleles (0.7%); highest among the groups gnomAD compares: Non-Finnish European, 0.87%; 54 homozygotes.

Submission:

CeGaT Center for Human Genetics Tuebingen
Classification: Likely benign. Last evaluated: 2022-07-01. Review status: criteria provided, single submitter. Criteria: CeGaT Center For Human Genetics Tuebingen Variant Classification Criteria Version 2. Collection method: clinical testing. Allele origin: germline. Affected: yes. Observed: 1 variant allele.
Comment: SACK1E: BP4, BP7

NM_017708.4(SACK1E):c.315G>A (p.Ser105=)

Gene: SACK1E (scaffolding CK1 anchoring protein E; minus strand). Cytogenetic location: 19q13.33.
Variant type: single nucleotide variant.
Coding change: c.315G>A on transcript NM_017708.4 (MANE Select); coding-DNA position 315, G replaced by A.
Protein change: p.Ser105=; no amino-acid change (serine 105 retained).
Molecular consequence: synonymous variant.
Genome position (GRCh38, 1-based): chr19:48,613,058, C>T on the plus strand (G>A on the coding strand, the complement: SACK1E is on the minus strand). VCF-style: chr19-48613058-C-T. GRCh37 (hg19) VCF-style: chr19-49116315-C-T.
Identifiers: ClinVar variation 2650211 (VCV002650211.24), dbSNP rs35056023, ClinGen allele CA9553810.